The following is an entry in ClinVar:

NM_001378452.1(ITPR1):c.3108T>G (p.Gly1036=)

Gene: ITPR1 (inositol 1,4,5-trisphosphate receptor type 1; plus strand). Cytogenetic location: 3p26.1.
Variant type: single nucleotide variant.
Coding change: c.3108T>G on transcript NM_001378452.1 (MANE Select); coding-DNA position 3108, T replaced by G.
Protein change: p.Gly1036=; no amino-acid change (glycine 1036 retained).
Molecular consequence: synonymous variant.
Genome position (GRCh38, 1-based): chr3:4,681,365, T>G. VCF-style: chr3-4681365-T-G. GRCh37 (hg19) VCF-style: chr3-4723049-T-G.
Other names: c.3081T>G, p.Gly1027= (NM_001099952.4); c.3063T>G, p.Gly1021= (NM_001168272.2); c.3036T>G, p.Gly1012= (NM_002222.7).
Identifiers: ClinVar variation 2099643 (VCV002099643.4), dbSNP rs1478591752, ClinGen allele CA432320954.

ClinVar aggregate classification (germline): Uncertain significance (1 of 4 stars; one submission).

Submission:

Labcorp Genetics (formerly Invitae), Labcorp
Classification: Uncertain significance. Last evaluated: 2022-03-12. Review status: criteria provided, single submitter. Criteria: Invitae Variant Classification Sherloc (09022015). Collection method: clinical testing. Allele origin: germline.
Comment: In summary, the available evidence is currently insufficient to determine the role of this variant in disease. Therefore, it has been classified as a Variant of Uncertain Significance. Algorithms developed to predict the effect of sequence changes on RNA splicing suggest that this variant may disrupt the consensus splice site. This variant has not been reported in the literature in individuals affected with ITPR1-related conditions. This variant is not present in population databases (gnomAD no frequency). This sequence change affects codon 1012 of the ITPR1 mRNA. It is a 'silent' change, meaning that it does not change the encoded amino acid sequence of the ITPR1 protein.